The following is an entry in ClinVar:

NM_144997.7(FLCN):c.1187C>A (p.Pro396His)

Gene: FLCN (folliculin; minus strand). Cytogenetic location: 17p11.2.
Variant type: single nucleotide variant.
Coding change: c.1187C>A on transcript NM_144997.7 (MANE Select); coding-DNA position 1187, C replaced by A.
Protein change: p.Pro396His; replaces proline 396 with histidine.
Molecular consequence: missense variant.
Genome position (GRCh38, 1-based): chr17:17,216,493, G>T on the plus strand (C>A on the coding strand, the complement: FLCN is on the minus strand). VCF-style: chr17-17216493-G-T. GRCh37 (hg19) VCF-style: chr17-17119807-G-T.
Other names: c.1241C>A, p.Pro414His (NM_001353229.2); c.1187C>A, p.Pro396His (NM_001353230.2, NM_001353231.2); short protein forms P414H, P396H.
Identifiers: ClinVar variation 2586496 (VCV002586496.5), dbSNP rs1447526883, ClinGen allele CA398531989.

ClinVar aggregate classification (germline): Uncertain significance. Review status: criteria provided, multiple submitters, no conflicts (2 of 4 stars). 2 submissions from 2 submitters: Uncertain significance (2). Last evaluated 2023-07-09.

Conditions:
Hereditary cancer-predisposing syndrome. Also called: Tumor predisposition; Neoplastic Syndromes, Hereditary; Hereditary Cancer Syndrome; Hereditary neoplastic syndrome. Identifiers: Orphanet 140162, MedGen C0027672, MeSH D009386, MONDO:0015356.
Birt-Hogg-Dube syndrome. Also called: Birt Hogg Dubé syndrome. Identifiers: Orphanet 122, MedGen C0346010, MONDO:0800444.

Submissions (2):

Ambry Genetics
Classification: Uncertain significance for Hereditary cancer-predisposing syndrome. Last evaluated: 2023-07-09. Review status: criteria provided, single submitter. Criteria: Ambry Variant Classification Scheme 2023. Collection method: clinical testing. Allele origin: germline.
Comment: The p.P396H variant (also known as c.1187C>A), located in coding exon 8 of the FLCN gene, results from a C to A substitution at nucleotide position 1187. The proline at codon 396 is replaced by histidine, an amino acid with similar properties. This amino acid position is conserved. In addition, this alteration is predicted to be deleterious by in silico analysis. Since supporting evidence is limited at this time, the clinical significance of this alteration remains unclear.

Labcorp Genetics (formerly Invitae), Labcorp
Classification: Uncertain significance for Birt-Hogg-Dube syndrome. Last evaluated: 2023-06-21. Review status: criteria provided, single submitter. Criteria: Invitae Variant Classification Sherloc (09022015). Collection method: clinical testing. Allele origin: germline.
Comment: This variant has not been reported in the literature in individuals affected with FLCN-related conditions. This variant is not present in population databases (gnomAD no frequency). This sequence change replaces proline, which is neutral and non-polar, with histidine, which is basic and polar, at codon 396 of the FLCN protein (p.Pro396His). Advanced modeling of protein sequence and biophysical properties (such as structural, functional, and spatial information, amino acid conservation, physicochemical variation, residue mobility, and thermodynamic stability) performed at Invitae indicates that this missense variant is expected to disrupt FLCN protein function. In summary, the available evidence is currently insufficient to determine the role of this variant in disease. Therefore, it has been classified as a Variant of Uncertain Significance.